The following is an entry in ClinVar:

ClinVar aggregate classification (germline): Pathogenic. Review status: criteria provided, multiple submitters, no conflicts (2 of 4 stars). 2 submissions from 2 submitters: Pathogenic (2). Last evaluated 2023-06-01.

Conditions:
Hereditary cancer-predisposing syndrome. Also called: Hereditary Cancer Syndrome; Hereditary neoplastic syndrome; Neoplastic Syndromes, Hereditary; Tumor predisposition. Identifiers: Orphanet 140162, MedGen C0027672, MeSH D009386, MONDO:0015356.
Familial cancer of breast. Also called: BREAST CANCER, FAMILIAL; hereditary breast carcinoma; Hereditary breast cancer. Identifiers: Orphanet 227535, MedGen C0346153, MONDO:0016419, OMIM 114480. Disease mechanism: loss of function.

Submissions (2):

Myriad Genetics, Inc.
Classification: Pathogenic for Familial cancer of breast. Last evaluated: 2023-06-01. Review status: criteria provided, single submitter. Criteria: Myriad Autosomal Dominant, Autosomal Recessive and X-Linked Classification Criteria (2023). Collection method: clinical testing. Allele origin: unknown.
Comment: This variant is considered pathogenic. This variant creates a termination codon and is predicted to result in premature protein truncation.

Ambry Genetics
Classification: Pathogenic for Hereditary cancer-predisposing syndrome. Last evaluated: 2021-05-19. Review status: criteria provided, single submitter. Criteria: Ambry Variant Classification Scheme 2023. Collection method: clinical testing. Allele origin: germline.
Comment: The p.W448* pathogenic mutation (also known as c.1344G>A), located in coding exon 9 of the BRIP1 gene, results from a G to A substitution at nucleotide position 1344. This changes the amino acid from a tryptophan to a stop codon within coding exon 9. In one study, this variant was reported in 3/60,466 breast cancer cases and in 3/53,461 controls (Dorling et al. N Engl J Med. 2021 02;384:428-439). In addition to the clinical data presented in the literature, this alteration is expected to result in loss of function by premature protein truncation or nonsense-mediated mRNA decay. As such, this alteration is interpreted as a disease-causing mutation.

Literature cited by the submitters: PubMed 33471991 (cited by Ambry Genetics).

NM_032043.3(BRIP1):c.1344G>A (p.Trp448Ter)

Gene: BRIP1 (BRCA1 interacting DNA helicase 1; minus strand). Cytogenetic location: 17q23.2.
Variant type: single nucleotide variant.
Coding change: c.1344G>A on transcript NM_032043.3 (MANE Select); coding-DNA position 1344, G replaced by A.
Protein change: p.Trp448Ter; replaces tryptophan 448 with a stop codon.
Molecular consequence: nonsense.
Genome position (GRCh38, 1-based): chr17:61,793,726, C>T on the plus strand (G>A on the coding strand, the complement: BRIP1 is on the minus strand). VCF-style: chr17-61793726-C-T. GRCh37 (hg19) VCF-style: chr17-59871087-C-T.
Other names: short protein forms W448*.
Identifiers: ClinVar variation 1770430 (VCV001770430.4), dbSNP rs2145245242, ClinGen allele CA400482346.